The following is an entry in ClinVar:

NM_000465.4(BARD1):c.1575A>G (p.Ile525Met)

Gene: BARD1 (BRCA1 associated RING domain 1; minus strand). Cytogenetic location: 2q35.
Variant type: single nucleotide variant.
Coding change: c.1575A>G on transcript NM_000465.4 (MANE Select); coding-DNA position 1575, A replaced by G.
Protein change: p.Ile525Met; replaces isoleucine 525 with methionine.
Molecular consequence: missense variant. On other transcripts: non-coding transcript variant (3), intron variant (1).
Genome position (GRCh38, 1-based): chr2:214,752,549, T>C on the plus strand (A>G on the coding strand, the complement: BARD1 is on the minus strand). VCF-style: chr2-214752549-T-C. GRCh37 (hg19) VCF-style: chr2-215617273-T-C.
Other names: c.1518A>G, p.Ile506Met (NM_001282543.2); c.222A>G, p.Ile74Met (NM_001282545.2); c.165A>G, p.Ile55Met (NM_001282548.2); c.365-22041A>G (NM_001282549.2); c.1575A>G (NM_000465.2); short protein forms I525M, I55M, I74M, I506M.
Identifiers: ClinVar variation 569620 (VCV000569620.14), dbSNP rs1559394981, ClinGen allele CA350455047.

ClinVar aggregate classification (germline): Uncertain significance. Review status: criteria provided, multiple submitters, no conflicts (2 of 4 stars). 3 submissions from 3 submitters: Uncertain significance (3). Last evaluated 2024-09-04.

Conditions:
Hereditary cancer-predisposing syndrome. Also called: Hereditary neoplastic syndrome; Tumor predisposition; Neoplastic Syndromes, Hereditary; Hereditary Cancer Syndrome. Identifiers: Orphanet 140162, MedGen C0027672, MeSH D009386, MONDO:0015356.
Familial cancer of breast. Also called: hereditary breast carcinoma; BREAST CANCER, FAMILIAL; Hereditary breast cancer. Identifiers: Orphanet 227535, MedGen C0346153, MONDO:0016419, OMIM 114480. Disease mechanism: loss of function.

Submissions (3):

Ambry Genetics
Classification: Uncertain significance for Hereditary cancer-predisposing syndrome. Last evaluated: 2024-09-04. Review status: criteria provided, single submitter. Criteria: Ambry Variant Classification Scheme 2023. Collection method: clinical testing. Allele origin: germline.
Comment: The p.I525M variant (also known as c.1575A>G), located in coding exon 7 of the BARD1 gene, results from an A to G substitution at nucleotide position 1575. The isoleucine at codon 525 is replaced by methionine, an amino acid with highly similar properties. This amino acid position is highly conserved in available vertebrate species. In addition, the in silico prediction for this alteration is inconclusive. Based on the available evidence, the clinical significance of this variant remains unclear.

Labcorp Genetics (formerly Invitae), Labcorp
Classification: Uncertain significance for Familial cancer of breast. Last evaluated: 2024-03-16. Review status: criteria provided, single submitter. Criteria: Invitae Variant Classification Sherloc (09022015). Collection method: clinical testing. Allele origin: germline.
Comment: This sequence change replaces isoleucine, which is neutral and non-polar, with methionine, which is neutral and non-polar, at codon 525 of the BARD1 protein (p.Ile525Met). This variant is not present in population databases (gnomAD no frequency). This missense change has been observed in individual(s) with ovarian cancer (PMID: 26315354). ClinVar contains an entry for this variant (Variation ID: 569620). An algorithm developed to predict the effect of missense changes on protein structure and function (PolyPhen-2) suggests that this variant is likely to be disruptive. In summary, the available evidence is currently insufficient to determine the role of this variant in disease. Therefore, it has been classified as a Variant of Uncertain Significance.

Color Diagnostics, LLC DBA Color Health
Classification: Uncertain significance for Hereditary cancer-predisposing syndrome. Last evaluated: 2021-03-22. Review status: criteria provided, single submitter. Criteria: ACMG Guidelines, 2015. Collection method: clinical testing. Allele origin: germline.
Comment: This missense variant replaces isoleucine with methionine at codon 525 of the BARD1 protein. Computational prediction suggests that this variant may not impact protein structure and function (internally defined REVEL score threshold <= 0.5, PMID: 27666373). To our knowledge, functional studies have not been reported for this variant. This variant has been reported in an individual affected with ovarian cancer (PMID: 26315354). This variant has not been identified in the general population by the Genome Aggregation Database (gnomAD). The available evidence is insufficient to determine the role of this variant in disease conclusively. Therefore, this variant is classified as a Variant of Uncertain Significance.

Literature cited by the submitters: PubMed 26315354 (cited by Labcorp Genetics (formerly Invitae), Labcorp).